The following is an entry in ClinVar:

NM_002769.5(PRSS1):c.73G>C (p.Val25Leu)

Genes: PRSS1 (serine protease 1; plus strand), TRB (T cell receptor beta locus; plus strand). Cytogenetic location: 7q34.
Variant type: single nucleotide variant.
Coding change: c.73G>C on transcript NM_002769.5 (MANE Select); coding-DNA position 73, G replaced by C.
Protein change: p.Val25Leu; replaces valine 25 with leucine.
Molecular consequence: missense variant. On other transcripts: non-coding transcript variant (2).
Genome position (GRCh38, 1-based): chr7:142,750,587, G>C. VCF-style: chr7-142750587-G-C. GRCh37 (hg19) VCF-style: chr7-142458438-G-C.
Other names: short protein forms V25L.
Identifiers: ClinVar variation 1758729 (VCV001758729.7), dbSNP rs768051473, ClinGen allele CA4529668.
Genomic context (GRCh38, chr7:142,750,587, plus strand): 5'-GCCTTCTCCCTTCCCATCTCCACTCCAGTTGCTGCCCCCTTTGATGATGATGACAAGATC[G>C]TTGGGGGCTACAACTGTGAGGAGAATTCTGTCCCCTACCAGGTGTCCCTGAATTCTGGCT-3'
Protein context (NP_002760.1, residues 15-35): AAPFDDDDKI[Val25Leu]GGYNCEENSV

ClinVar aggregate classification (germline): Uncertain significance. Review status: criteria provided, multiple submitters, no conflicts (2 of 4 stars). 2 submissions from 2 submitters: Uncertain significance (2). Last evaluated 2024-11-16.

Conditions:
Hereditary pancreatitis (PCTT). Also called: Hereditary chronic pancreatitis; PRSS1-Related Hereditary Pancreatitis. Identifiers: Orphanet 676, MedGen C0238339, MONDO:0008185, OMIM 167800.

gnomAD v4.1: 9 of 1,614,032 alleles (0.00056%); highest among the groups gnomAD compares: South Asian, 0.0011%; no homozygotes.

Submissions (2):

Ambry Genetics
Classification: Uncertain significance for Hereditary pancreatitis. Last evaluated: 2024-11-16. Review status: criteria provided, single submitter. Criteria: Ambry Variant Classification Scheme 2023. Collection method: clinical testing. Allele origin: germline.
Comment: The p.V25L variant (also known as c.73G>C), located in coding exon 2 of the PRSS1 gene, results from a G to C substitution at nucleotide position 73. The valine at codon 25 is replaced by leucine, an amino acid with highly similar properties. This amino acid position is conserved. In addition, the in silico prediction for this alteration is inconclusive. Since supporting evidence is limited at this time, the clinical significance of this alteration remains unclear.

Labcorp Genetics (formerly Invitae), Labcorp
Classification: Uncertain significance for Hereditary pancreatitis. Last evaluated: 2022-10-17. Review status: criteria provided, single submitter. Criteria: Invitae Variant Classification Sherloc (09022015). Collection method: clinical testing. Allele origin: germline.
Comment: This sequence change replaces valine, which is neutral and non-polar, with leucine, which is neutral and non-polar, at codon 25 of the PRSS1 protein (p.Val25Leu). The frequency data for this variant in the population databases is considered unreliable, as metrics indicate poor data quality at this position in the gnomAD database. This variant has not been reported in the literature in individuals affected with PRSS1-related conditions. Advanced modeling of protein sequence and biophysical properties (such as structural, functional, and spatial information, amino acid conservation, physicochemical variation, residue mobility, and thermodynamic stability) performed at Invitae indicates that this missense variant is not expected to disrupt PRSS1 protein function. In summary, the available evidence is currently insufficient to determine the role of this variant in disease. Therefore, it has been classified as a Variant of Uncertain Significance.